The following is an entry in ClinVar:

ClinVar aggregate classification (germline): Uncertain significance (1 of 4 stars; one submission).

Conditions:
Epileptic encephalopathy. Identifiers: MedGen C0543888, HP:0200134.

Allele frequency attached by ClinVar (database versions not stated): gnomAD exomes below 0.00001; ExAC 0.00001.
gnomAD v4.1: 1 of 1,614,182 alleles (0.000062%); highest among the groups gnomAD compares: Non-Finnish European, 0.000085%; no homozygotes.

Submission:

Labcorp Genetics (formerly Invitae), Labcorp
Classification: Uncertain significance for Epileptic encephalopathy. Last evaluated: 2022-10-16. Review status: criteria provided, single submitter. Criteria: Invitae Variant Classification Sherloc (09022015). Collection method: clinical testing. Allele origin: germline.
Comment: This sequence change replaces aspartic acid, which is acidic and polar, with asparagine, which is neutral and polar, at codon 770 of the GABBR2 protein (p.Asp770Asn). This variant is present in population databases (rs774224900, gnomAD 0.006%). This variant has not been reported in the literature in individuals affected with GABBR2-related conditions. Advanced modeling of protein sequence and biophysical properties (such as structural, functional, and spatial information, amino acid conservation, physicochemical variation, residue mobility, and thermodynamic stability) performed at Invitae indicates that this missense variant is not expected to disrupt GABBR2 protein function. In summary, the available evidence is currently insufficient to determine the role of this variant in disease. Therefore, it has been classified as a Variant of Uncertain Significance.

NM_005458.8(GABBR2):c.2308G>A (p.Asp770Asn)

Gene: GABBR2 (gamma-aminobutyric acid type B receptor subunit 2; minus strand). Cytogenetic location: 9q22.33.
Variant type: single nucleotide variant.
Coding change: c.2308G>A on transcript NM_005458.8 (MANE Select); coding-DNA position 2308, G replaced by A.
Protein change: p.Asp770Asn; replaces aspartic acid 770 with asparagine.
Molecular consequence: missense variant.
Genome position (GRCh38, 1-based): chr9:98,303,345, C>T on the plus strand (G>A on the coding strand, the complement: GABBR2 is on the minus strand). VCF-style: chr9-98303345-C-T. GRCh37 (hg19) VCF-style: chr9-101065627-C-T.
Other names: short protein forms D770N.
Identifiers: ClinVar variation 1721721 (VCV001721721.5), dbSNP rs774224900, ClinGen allele CA5152490.